The following is an entry in ClinVar:

NM_001001557.4(GDF6):c.650T>C (p.Val217Ala)

Gene: GDF6 (growth differentiation factor 6; minus strand). Cytogenetic location: 8q22.1.
Variant type: single nucleotide variant.
Coding change: c.650T>C on transcript NM_001001557.4 (MANE Select); coding-DNA position 650, T replaced by C.
Protein change: p.Val217Ala; replaces valine 217 with alanine.
Molecular consequence: missense variant.
Genome position (GRCh38, 1-based): chr8:96,145,281, A>G on the plus strand (T>C on the coding strand, the complement: GDF6 is on the minus strand). VCF-style: chr8-96145281-A-G. GRCh37 (hg19) VCF-style: chr8-97157509-A-G.
Other names: short protein forms V217A.
Identifiers: ClinVar variation 4782374 (VCV004782374.1).
Genomic context (GRCh38, chr8:96,145,281, plus strand): 5'-CATGCGGCCCGCAGCTCCAAGCACAGCTGCTTCCAGGGCTGGTGGCGCAGGCCCTGCCAC[A>G]CGTCGAAGACTTCCCAGCCGGCCGGCGGCGCCCCCTGCGGGTCCAGGGTCCGCGCGTCCA-3'
Protein context (NP_001001557.1, residues 207-227): APPAGWEVFD[Val217Ala]WQGLRHQPWK

ClinVar aggregate classification (germline): Uncertain significance (1 of 4 stars; one submission).

Conditions:
Klippel-Feil syndrome 1, autosomal dominant (KFS1). Also called: CERVICAL VERTEBRAL FUSION, AUTOSOMAL DOMINANT. Identifiers: Orphanet 2345, MedGen C1861689, MONDO:0007306, OMIM 118100.
Isolated microphthalmia 4. Identifiers: Orphanet 2542, MedGen C2751307, MONDO:0013130, OMIM 613094.
Microphthalmia, isolated, with coloboma 6 (MCOPCB6). Also called: Microphthalmia with coloboma 6, digenic; Microphthalmia with coloboma 6; MICROPHTHALMIA/COLOBOMA 6. Identifiers: Orphanet 98938, MedGen C3150968, MONDO:0013376, OMIM 613703.
Leber congenital amaurosis 17 (LCA17). Identifiers: Orphanet 65, MedGen C3715164, MONDO:0014145, OMIM 615360.

gnomAD v4.1: 3 of 1,527,012 alleles (0.0002%); highest among the groups gnomAD compares: Non-Finnish European, 0.00026%; no homozygotes.

Submission:

Labcorp Genetics (formerly Invitae), Labcorp
Classification: Uncertain significance for Isolated microphthalmia 4; Leber congenital amaurosis 17; Klippel-Feil syndrome 1, autosomal dominant; Microphthalmia, isolated, with coloboma 6. Last evaluated: 2025-12-20. Review status: criteria provided, single submitter. Criteria: Invitae Variant Classification Sherloc (09022015). Collection method: clinical testing. Allele origin: germline.
Comment: This sequence change replaces valine, which is neutral and non-polar, with alanine, which is neutral and non-polar, at codon 217 of the GDF6 protein (p.Val217Ala). This variant is not present in population databases (gnomAD no frequency). This variant has not been reported in the literature in individuals affected with GDF6-related conditions. Invitae Evidence Modeling of protein sequence and biophysical properties (such as structural, functional, and spatial information, amino acid conservation, physicochemical variation, residue mobility, and thermodynamic stability) indicates that this missense variant is not expected to disrupt GDF6 protein function with a negative predictive value of 80%. In summary, the available evidence is currently insufficient to determine the role of this variant in disease. Therefore, it has been classified as a Variant of Uncertain Significance.